The following is an entry in ClinVar:

NM_172364.5(CACNA2D4):c.649+5C>A

Gene: CACNA2D4 (calcium voltage-gated channel auxiliary subunit alpha2delta 4; minus strand). Cytogenetic location: 12p13.33.
Variant type: single nucleotide variant.
Coding change: c.649+5C>A on transcript NM_172364.5 (MANE Select); 5 bases into the intron after coding-DNA position 649, C replaced by A.
Molecular consequence: intron variant.
Genome position (GRCh38, 1-based): chr12:1,907,870, G>T on the plus strand (C>A on the coding strand, the complement: CACNA2D4 is on the minus strand). VCF-style: chr12-1907870-G-T. GRCh37 (hg19) VCF-style: chr12-2017036-G-T.
Identifiers: ClinVar variation 2013312 (VCV002013312.4), dbSNP rs370133531, ClinGen allele CA2012211414.

ClinVar aggregate classification (germline): Uncertain significance (1 of 4 stars; one submission).

gnomAD v4.1: 2 of 1,613,958 alleles (0.00012%); highest among the groups gnomAD compares: South Asian, 0.0022%; no homozygotes.

Submission:

Labcorp Genetics (formerly Invitae), Labcorp
Classification: Uncertain significance. Last evaluated: 2022-09-01. Review status: criteria provided, single submitter. Criteria: Invitae Variant Classification Sherloc (09022015). Collection method: clinical testing. Allele origin: germline.
Comment: This variant is not present in population databases (gnomAD no frequency). This variant has not been reported in the literature in individuals affected with CACNA2D4-related conditions. Variants that disrupt the consensus splice site are a relatively common cause of aberrant splicing (PMID: 17576681, 9536098). Algorithms developed to predict the effect of sequence changes on RNA splicing suggest that this variant is not likely to affect RNA splicing. In summary, the available evidence is currently insufficient to determine the role of this variant in disease. Therefore, it has been classified as a Variant of Uncertain Significance. This sequence change falls in intron 5 of the CACNA2D4 gene. It does not directly change the encoded amino acid sequence of the CACNA2D4 protein. It affects a nucleotide within the consensus splice site.

Literature cited by the submitters: PubMed 17576681; PubMed 9536098.